The following is an entry in ClinVar:

ClinVar aggregate classification (germline): Pathogenic (1 of 4 stars; one submission).

Conditions:
Ataxia-telangiectasia syndrome (AT). Also called: ATAXIA-TELANGIECTASIA, COMPLEMENTATION GROUP A; ATAXIA-TELANGIECTASIA, FRESNO VARIANT; Ataxia-telangiectasia; Ataxia-telangiectasia, complementation group D; AT, COMPLEMENTATION GROUP C; Ataxia-telangiectasia, complementation group E. Identifiers: Orphanet 100, MedGen C0004135, MONDO:0008840, OMIM 208900.

Submission:

Labcorp Genetics (formerly Invitae), Labcorp
Classification: Pathogenic for Ataxia-telangiectasia syndrome. Last evaluated: 2019-05-10. Review status: criteria provided, single submitter. Criteria: Invitae Variant Classification Sherloc (09022015). Collection method: clinical testing. Allele origin: germline.
Comment: For these reasons, this variant has been classified as Pathogenic. Loss-of-function variants in ATM are known to be pathogenic (PMID: 23807571, 25614872). This variant has not been reported in the literature in individuals with ATM-related conditions. This variant is not present in population databases (ExAC no frequency). This sequence change creates a premature translational stop signal (p.Cys2753Leufs*53) in the ATM gene. It is expected to result in an absent or disrupted protein product.

Literature cited by the submitters: PubMed 23807571; PubMed 25614872.

NM_000051.4(ATM):c.8258del (p.Cys2753fs)

Genes: ATM (ATM serine/threonine kinase; plus strand), C11orf65 (chromosome 11 open reading frame 65; minus strand). Cytogenetic location: 11q22.3.
Variant type: Deletion.
Coding change: c.8258del on transcript NM_000051.4 (MANE Select); coding-DNA position 8258, one base deleted (G; older notation c.8258delG).
Protein change: p.Cys2753fs; shifts the reading frame from cysteine 2753.
Molecular consequence: frameshift variant. On other transcripts: intron variant (2).
Genome position (GRCh38, 1-based): chr11:108,335,951, G deleted. VCF-style (leftmost placement, unchanged base first): chr11-108335950-TG-T. GRCh37 (hg19) VCF-style: chr11-108206677-TG-T.
Other names: c.8258delG, p.Cys2753Leufs (NM_000051.3); c.8258del, p.Cys2753fs (NM_001351834.2); c.641-26880del (NM_001330368.2); c.695-659del (NM_001351110.2); short protein forms C2753fs.
Identifiers: ClinVar variation 854584 (VCV000854584.8), dbSNP rs2086801267, ClinGen allele CA916080480.